The following is an entry in ClinVar:

NM_181703.4(GJA5):c.714T>G (p.Phe238Leu)

Genes: GJA5 (gap junction protein alpha 5; minus strand), LOC122128420 (Sharpr-MPRA regulatory region 3144; plus strand). Cytogenetic location: 1q21.2.
Variant type: single nucleotide variant.
Coding change: c.714T>G on transcript NM_181703.4 (MANE Select); coding-DNA position 714, T replaced by G.
Protein change: p.Phe238Leu; replaces phenylalanine 238 with leucine.
Molecular consequence: missense variant.
Genome position (GRCh38, 1-based): chr1:147,758,525, A>C on the plus strand (T>G on the coding strand, the complement: GJA5 is on the minus strand). VCF-style: chr1-147758525-A-C. GRCh37 (hg19) VCF-style: chr1-147230633-A-C.
Other names: c.714T>G, p.Phe238Leu (NM_005266.7); short protein forms F238L.
Identifiers: ClinVar variation 3753394 (VCV003753394.2).

ClinVar aggregate classification (germline): Uncertain significance (1 of 4 stars; one submission).

Conditions:
Atrial fibrillation, familial, 11 (ATFB11). Identifiers: MedGen C3279693, MONDO:0013544, OMIM 614049.
Atrial standstill 1 (ATRST1). Also called: ATRIAL CARDIOMYOPATHY WITH HEART BLOCK; CARDIOMYOPATHY, FAMILIAL, WITH CONDUCTION DISTURBANCE; Atrial standstill, digenic (GJA5/SCN5A). Identifiers: Orphanet 1344, MedGen C4551959, MONDO:0007171, OMIM 108770.

gnomAD v4.1: 4 of 1,613,972 alleles (0.00025%); highest among the groups gnomAD compares: Middle Eastern, 0.033%; no homozygotes.

Submission:

Labcorp Genetics (formerly Invitae), Labcorp
Classification: Uncertain significance for Atrial fibrillation, familial, 11; Atrial standstill 1. Last evaluated: 2025-12-22. Review status: criteria provided, single submitter. Criteria: Invitae Variant Classification Sherloc (09022015). Collection method: clinical testing. Allele origin: germline.
Comment: This sequence change replaces phenylalanine, which is neutral and non-polar, with leucine, which is neutral and non-polar, at codon 238 of the GJA5 protein (p.Phe238Leu). This variant is present in population databases (rs782087350, gnomAD 0.0009%). This variant has not been reported in the literature in individuals affected with GJA5-related conditions. ClinVar contains an entry for this variant (Variation ID: 3753394). Invitae Evidence Modeling of protein sequence and biophysical properties (such as structural, functional, and spatial information, amino acid conservation, physicochemical variation, residue mobility, and thermodynamic stability) indicates that this missense variant is not expected to disrupt GJA5 protein function with a negative predictive value of 80%. In summary, the available evidence is currently insufficient to determine the role of this variant in disease. Therefore, it has been classified as a Variant of Uncertain Significance.